The following is an entry in ClinVar:

ClinVar aggregate classification (germline): Uncertain significance (1 of 4 stars; one submission).

Submission:

GeneDx
Classification: Uncertain significance. Last evaluated: 2023-06-23. Review status: criteria provided, single submitter. Criteria: GeneDx Variant Classification Process June 2021. Collection method: clinical testing. Allele origin: germline. Affected: yes.
Comment: Not observed at significant frequency in large population cohorts (gnomAD); In silico analysis supports that this missense variant has a deleterious effect on protein structure/function; Has not been previously published as pathogenic or benign to our knowledge

NM_001205293.3(CACNA1E):c.1112G>A (p.Arg371Gln)

Gene: CACNA1E (calcium voltage-gated channel subunit alpha1 E; plus strand). Cytogenetic location: 1q25.3.
Variant type: single nucleotide variant.
Coding change: c.1112G>A on transcript NM_001205293.3 (MANE Select); coding-DNA position 1112, G replaced by A.
Protein change: p.Arg371Gln; replaces arginine 371 with glutamine.
Molecular consequence: missense variant.
Genome position (GRCh38, 1-based): chr1:181,711,010, G>A. VCF-style: chr1-181711010-G-A. GRCh37 (hg19) VCF-style: chr1-181680146-G-A.
Other names: c.1112G>A, p.Arg371Gln (NM_000721.4, NM_001205294.2); short protein forms R371Q.
Identifiers: ClinVar variation 3360142 (VCV003360142.1).